The following is an entry in ClinVar:

ClinVar aggregate classification (germline): Uncertain significance. Review status: criteria provided, multiple submitters, no conflicts (2 of 4 stars). 2 submissions from 2 submitters: Uncertain significance (2). Last evaluated 2025-02-19.

Conditions:
Hereditary cancer-predisposing syndrome. Also called: Neoplastic Syndromes, Hereditary; Hereditary Cancer Syndrome; Hereditary neoplastic syndrome; Tumor predisposition. Identifiers: Orphanet 140162, MedGen C0027672, MeSH D009386, MONDO:0015356.

Allele frequency attached by ClinVar (database versions not stated): gnomAD exomes below 0.00001; ExAC 0.00001; gnomAD 0.00002; TOPMed 0.00002.
gnomAD v4.1: 6 of 1,613,806 alleles (0.00037%); highest among the groups gnomAD compares: Admixed American, 0.0033%; no homozygotes.

Submissions (2):

Ambry Genetics
Classification: Uncertain significance for Hereditary cancer-predisposing syndrome. Last evaluated: 2025-02-19. Review status: criteria provided, single submitter. Criteria: Ambry Variant Classification Scheme 2023. Collection method: clinical testing. Allele origin: germline.
Comment: The p.C810R variant (also known as c.2428T>C), located in coding exon 21 of the POLE gene, results from a T to C substitution at nucleotide position 2428. The cysteine at codon 810 is replaced by arginine, an amino acid with highly dissimilar properties. This amino acid position is highly conserved in available vertebrate species. In addition, this alteration is predicted to be deleterious by in silico analysis. Based on the available evidence, the clinical significance of this variant remains unclear.

Labcorp Genetics (formerly Invitae), Labcorp
Classification: Uncertain significance. Last evaluated: 2024-07-24. Review status: criteria provided, single submitter. Criteria: Invitae Variant Classification Sherloc (09022015). Collection method: clinical testing. Allele origin: germline.
Comment: This sequence change replaces cysteine, which is neutral and slightly polar, with arginine, which is basic and polar, at codon 810 of the POLE protein (p.Cys810Arg). This variant is present in population databases (rs753421179, gnomAD 0.0009%). This variant has not been reported in the literature in individuals affected with POLE-related conditions. ClinVar contains an entry for this variant (Variation ID: 540780). Advanced modeling of protein sequence and biophysical properties (such as structural, functional, and spatial information, amino acid conservation, physicochemical variation, residue mobility, and thermodynamic stability) performed at Invitae indicates that this missense variant is expected to disrupt POLE protein function with a positive predictive value of 80%. In summary, the available evidence is currently insufficient to determine the role of this variant in disease. Therefore, it has been classified as a Variant of Uncertain Significance.

NM_006231.4(POLE):c.2428T>C (p.Cys810Arg)

Gene: POLE (DNA polymerase epsilon, catalytic subunit; minus strand). Cytogenetic location: 12q24.33.
Variant type: single nucleotide variant.
Coding change: c.2428T>C on transcript NM_006231.4 (MANE Select); coding-DNA position 2428, T replaced by C.
Protein change: p.Cys810Arg; replaces cysteine 810 with arginine.
Molecular consequence: missense variant.
Genome position (GRCh38, 1-based): chr12:132,665,342, A>G on the plus strand (T>C on the coding strand, the complement: POLE is on the minus strand). VCF-style: chr12-132665342-A-G. GRCh37 (hg19) VCF-style: chr12-133241928-A-G.
Other names: c.2428T>C (NM_006231.2); short protein forms C810R.
Identifiers: ClinVar variation 540780 (VCV000540780.11), dbSNP rs753421179, ClinGen allele CA6893562.